The following is an entry in ClinVar:

ClinVar aggregate classification (germline): Uncertain significance (1 of 4 stars; one submission).

Submission:

Women's Health and Genetics/Laboratory Corporation of America, LabCorp
Classification: Uncertain significance. Last evaluated: 2025-07-03. Review status: criteria provided, single submitter. Criteria: LabCorp Variant Classification Summary - May 2015. Collection method: clinical testing. Allele origin: germline.
Comment: Variant summary: NTRK1 c.2143T>C (p.Phe715Leu) results in a non-conservative amino acid change in the encoded protein sequence. Algorithms developed to predict the effect of missense changes on protein structure and function all suggest that this variant is likely to be disruptive. The variant was absent in 251210 control chromosomes. The available data on variant occurrences in the general population are insufficient to allow any conclusion about variant significance. To our knowledge, no occurrence of c.2143T>C in individuals affected with Hereditary insensitivity to pain with anhidrosis and no experimental evidence demonstrating its impact on protein function have been reported. No submitters have cited clinical-significance assessments for this variant to ClinVar. Based on the evidence outlined above, the variant was classified as uncertain significance.

NM_002529.4(NTRK1):c.2161T>C (p.Phe721Leu)

Gene: NTRK1 (neurotrophic receptor tyrosine kinase 1; plus strand). Cytogenetic location: 1q23.1.
Variant type: single nucleotide variant.
Coding change: c.2161T>C on transcript NM_002529.4 (MANE Select); coding-DNA position 2161, T replaced by C.
Protein change: p.Phe721Leu; replaces phenylalanine 721 with leucine.
Molecular consequence: missense variant.
Genome position (GRCh38, 1-based): chr1:156,880,113, T>C. VCF-style: chr1-156880113-T-C. GRCh37 (hg19) VCF-style: chr1-156849905-T-C.
Other names: c.2053T>C, p.Phe685Leu (NM_001007792.1); c.2143T>C, p.Phe715Leu (NM_001012331.2); short protein forms F685L, F715L, F721L.
Identifiers: ClinVar variation 3911916 (VCV003911916.2).